The following is an entry in ClinVar:

ClinVar aggregate classification (germline): Conflicting classifications of pathogenicity. Review status: criteria provided, conflicting classifications (1 of 4 stars). 4 submissions from 4 submitters: Uncertain significance (3); Likely benign (1). Last evaluated 2024-03-18.

Conditions:
Hereditary cancer-predisposing syndrome. Also called: Tumor predisposition; Hereditary Cancer Syndrome; Hereditary neoplastic syndrome; Neoplastic Syndromes, Hereditary. Identifiers: Orphanet 140162, MedGen C0027672, MeSH D009386, MONDO:0015356.
Hereditary breast ovarian cancer syndrome. Also called: Breast and ovarian cancer; Hereditary breast and ovarian cancer; Hereditary breast and/or ovarian cancer syndrome; BRCA1- and BRCA2-Associated Hereditary Breast and Ovarian Cancer; Hereditary breast and ovarian cancer syndrome (HBOC); Hereditary breast and ovarian cancer syndrome. Identifiers: Orphanet 145, MedGen C0677776, MeSH D061325, MONDO:0003582. Disease mechanism: loss of function.

Submissions (4):

Ambry Genetics
Classification: Uncertain significance for Hereditary cancer-predisposing syndrome. Last evaluated: 2024-03-18. Review status: criteria provided, single submitter. Criteria: Ambry Variant Classification Scheme 2023. Collection method: clinical testing. Allele origin: germline.
Comment: The p.M1594R variant (also known as c.4781T>G), located in coding exon 10 of the BRCA2 gene, results from a T to G substitution at nucleotide position 4781. The methionine at codon 1594 is replaced by arginine, an amino acid with similar properties. This amino acid position is not well conserved in available vertebrate species. In addition, this alteration is predicted to be tolerated by in silico analysis. Since supporting evidence is limited at this time, the clinical significance of this alteration remains unclear.

Labcorp Genetics (formerly Invitae), Labcorp
Classification: Uncertain significance for Hereditary breast ovarian cancer syndrome. Last evaluated: 2023-04-16. Review status: criteria provided, single submitter. Criteria: Invitae Variant Classification Sherloc (09022015). Collection method: clinical testing. Allele origin: germline.
Comment: This sequence change replaces methionine, which is neutral and non-polar, with arginine, which is basic and polar, at codon 1594 of the BRCA2 protein (p.Met1594Arg). In summary, the available evidence is currently insufficient to determine the role of this variant in disease. Therefore, it has been classified as a Variant of Uncertain Significance. This variant is not present in population databases (gnomAD no frequency). This variant has not been reported in the literature in individuals affected with BRCA2-related conditions. ClinVar contains an entry for this variant (Variation ID: 182211). Advanced modeling of protein sequence and biophysical properties (such as structural, functional, and spatial information, amino acid conservation, physicochemical variation, residue mobility, and thermodynamic stability) performed at Invitae indicates that this missense variant is not expected to disrupt BRCA2 protein function.

University of Washington Department of Laboratory Medicine, University of Washington
Classification: Likely benign for Hereditary cancer-predisposing syndrome. Last evaluated: 2023-03-23. Review status: criteria provided, single submitter. Criteria: Dines et al. (Genet Med. 2020). Collection method: curation. Allele origin: germline.
Comment: Missense variant in a coldspot region where missense variants are very unlikely to be pathogenic (PMID:31911673).

BRCA2 exon 11 coldspot. Reclassification based on statistical prior probability.

GeneDx
Classification: Uncertain significance. Last evaluated: 2014-05-20. Review status: criteria provided, single submitter. Criteria: GeneDx Variant Classification (06012015). Collection method: clinical testing. Allele origin: germline. Affected: yes.
Comment: This variant is denoted BRCA2 c.4781T>G at the cDNA level, p.Met1594Arg (M1594R) at the protein level, and results in the change of a Methionine to an Arginine (ATG>AGG). This variant has not, to our knowledge, been published in the literature as pathogenic or benign. BRCA2 Met1594Arg was not observed in approximately 6,500 individuals of European and African American ancestry in the NHLBI Exome Sequencing Project, indicating it is not a common benign variant in these populations. Since Methionine and Arginine differ in polarity, charge, size or other properties, this is considered a non-conservative amino acid substitution. BRCA2 Met1594Arg occurs at a position that is moderately conserved across species and is located in the BRC repeat domain that interacts with RAD51 (Roy 2012) and a region of interaction with POLH (UniProt). In addition, in silico analyses are inconsistent regarding the effect this variant may have on protein structure and function. Based on currently available information, it is unclear whether BRCA2 Met1594Arg is pathogenic or benign. We consider it to be a variant of uncertain significance.

NM_000059.4(BRCA2):c.4781T>G (p.Met1594Arg)

Gene: BRCA2 (BRCA2 DNA repair associated; plus strand). Cytogenetic location: 13q13.1.
Variant type: single nucleotide variant.
Coding change: c.4781T>G on transcript NM_000059.4 (MANE Select); coding-DNA position 4781, T replaced by G.
Protein change: p.Met1594Arg; replaces methionine 1594 with arginine.
Molecular consequence: missense variant.
Genome position (GRCh38, 1-based): chr13:32,339,136, T>G. VCF-style: chr13-32339136-T-G. GRCh37 (hg19) VCF-style: chr13-32913273-T-G.
Other names: p.M1594R:ATG>AGG; short protein forms M1594R.
Identifiers: ClinVar variation 182211 (VCV000182211.12), dbSNP rs730881533, ClinGen allele CA020830.